The following is an entry in ClinVar:

ClinVar aggregate classification (germline): Likely pathogenic (1 of 4 stars; one submission).

Submission:

Labcorp Genetics (formerly Invitae), Labcorp
Classification: Likely pathogenic. Last evaluated: 2022-09-03. Review status: criteria provided, single submitter. Criteria: Invitae Variant Classification Sherloc (09022015). Collection method: clinical testing. Allele origin: germline.
Comment: In summary, the currently available evidence indicates that the variant is pathogenic, but additional data are needed to prove that conclusively. Therefore, this variant has been classified as Likely Pathogenic. Algorithms developed to predict the effect of sequence changes on RNA splicing suggest that this variant may disrupt the consensus splice site. This variant has not been reported in the literature in individuals affected with COL27A1-related conditions. This variant is not present in population databases (gnomAD no frequency). This sequence change affects a donor splice site in intron 10 of the COL27A1 gene. It is expected to disrupt RNA splicing. Variants that disrupt the donor or acceptor splice site typically lead to a loss of protein function (PMID: 16199547), and loss-of-function variants in COL27A1 are known to be pathogenic (PMID: 24986830, 28276056).

Literature cited by the submitters: PubMed 16199547; PubMed 24986830; PubMed 28276056.

NM_032888.4(COL27A1):c.2268+1G>A

Gene: COL27A1 (collagen type XXVII alpha 1 chain; plus strand). Cytogenetic location: 9q32.
Variant type: single nucleotide variant.
Coding change: c.2268+1G>A on transcript NM_032888.4 (MANE Select); the canonical splice donor site of the intron after coding-DNA position 2268, G replaced by A.
Molecular consequence: splice donor variant.
Genome position (GRCh38, 1-based): chr9:114,206,297, G>A. VCF-style: chr9-114206297-G-A. GRCh37 (hg19) VCF-style: chr9-116968577-G-A.
Identifiers: ClinVar variation 2099824 (VCV002099824.4), dbSNP rs1829962197, ClinGen allele CA374600714.